The following is an entry in ClinVar:

NM_001042646.3(TRAK1):c.286+23939A>G

Gene: TRAK1 (trafficking kinesin protein 1; plus strand). Cytogenetic location: 3p22.1.
Variant type: single nucleotide variant.
Coding change: c.286+23939A>G on transcript NM_001042646.3 (MANE Select); 23939 bases into the intron after coding-DNA position 286, A replaced by G.
Molecular consequence: intron variant. On other transcripts: synonymous variant (4).
Genome position (GRCh38, 1-based): chr3:42,149,553, A>G. VCF-style: chr3-42149553-A-G. GRCh37 (hg19) VCF-style: chr3-42191045-A-G.
Other names: c.18A>G, p.Glu6= (NM_001265609.2, NM_001265610.1, NM_001349248.1 and 1 more transcripts); c.-27+23939A>G (NM_001349245.1); c.286+23939A>G (NM_001349247.2, NM_001349246.2, NM_001265608.2).
Identifiers: ClinVar variation 2653702 (VCV002653702.26), dbSNP rs376792946, ClinGen allele CA2332981.

ClinVar aggregate classification (germline): Likely benign. Review status: criteria provided, multiple submitters, no conflicts (2 of 4 stars). 3 submissions from 3 submitters: Likely benign (2). 1 of the submissions does not count toward it. Last evaluated 2025-12-01.

Conditions:
TRAK1-related disorder. Also called: TRAK1-related condition.

Allele frequency attached by ClinVar (database versions not stated): gnomAD exomes 0.00016; gnomAD 0.00037; 1000 Genomes Project 30x 0.00047; TOPMed 0.00053; 1000 Genomes Project 0.00060; ExAC 0.00063.
gnomAD v4.1: 423 of 1,536,066 alleles (0.028%); highest among the groups gnomAD compares: East Asian, 0.5%; 5 homozygotes.

Submissions (3):

CeGaT Center for Human Genetics Tuebingen
Classification: Likely benign. Last evaluated: 2025-12-01. Review status: criteria provided, single submitter. Criteria: CeGaT Center For Human Genetics Tuebingen Variant Classification Criteria Version 2. Collection method: clinical testing. Allele origin: germline. Affected: yes. Observed: 2 variant alleles.
Comment: TRAK1: BP4, BP7

Blueprint Genetics
Classification: Likely benign. Last evaluated: 2024-11-01. Review status: criteria provided, single submitter. Criteria: ACMG Guidelines, 2015. Collection method: clinical testing. Allele origin: germline.

PreventionGenetics, part of Exact Sciences
Classification: Likely benign for TRAK1-related condition. Last evaluated: 2019-02-22. Review status: no assertion criteria provided. Collection method: clinical testing. Allele origin: germline. Not counted in ClinVar's aggregate classification.
Comment: This variant is classified as likely benign based on ACMG/AMP sequence variant interpretation guidelines (Richards et al. 2015 PMID: 25741868, with internal and published modifications).